The following is an entry in ClinVar:

ClinVar aggregate classification (germline): Uncertain significance (1 of 4 stars; one submission).

Submission:

Labcorp Genetics (formerly Invitae), Labcorp
Classification: Uncertain significance. Last evaluated: 2024-08-04. Review status: criteria provided, single submitter. Criteria: Invitae Variant Classification Sherloc (09022015). Collection method: clinical testing. Allele origin: germline.
Comment: This variant, c.314_322del, results in the deletion of 3 amino acid(s) of the GATA5 protein (p.Gly105_Ser107del), but otherwise preserves the integrity of the reading frame. This variant is not present in population databases (gnomAD no frequency). This variant has not been reported in the literature in individuals affected with GATA5-related conditions. Experimental studies and prediction algorithms are not available or were not evaluated, and the functional significance of this variant is currently unknown. In summary, the available evidence is currently insufficient to determine the role of this variant in disease. Therefore, it has been classified as a Variant of Uncertain Significance.

NM_080473.5(GATA5):c.314_322del (p.Gly105_Ser107del)

Gene: GATA5 (GATA binding protein 5; minus strand). Cytogenetic location: 20q13.33.
Variant type: Deletion.
Coding change: c.314_322del on transcript NM_080473.5 (MANE Select); coding-DNA positions 314 to 322, 9 bases deleted (GCGGCAGCG; older notation c.314_322delGCGGCAGCG).
Protein change: p.Gly105_Ser107del.
Genome position (GRCh38, 1-based): chr20:62,475,200-62,475,208, CGCTGCCGC deleted on the plus strand (GCGGCAGCG on the coding strand, the reverse complement: GATA5 is on the minus strand); deleting any 9 consecutive bases within chr20:62,475,200-62,475,216 gives the same sequence; the c. name uses the placement nearest the transcript's 3' end. VCF-style (leftmost placement, unchanged base first): chr20-62475199-GCGCTGCCGC-G. GRCh37 (hg19) VCF-style: chr20-61050255-GCGCTGCCGC-G.
Identifiers: ClinVar variation 3650056 (VCV003650056.2).